The following is an entry in ClinVar:

NM_004360.5(CDH1):c.1760A>G (p.Asp587Gly)

Gene: CDH1 (cadherin 1; plus strand). Cytogenetic location: 16q22.1.
Variant type: single nucleotide variant.
Coding change: c.1760A>G on transcript NM_004360.5 (MANE Select); coding-DNA position 1760, A replaced by G.
Protein change: p.Asp587Gly; replaces aspartic acid 587 with glycine.
Molecular consequence: missense variant. On other transcripts: 5 prime UTR variant (1).
Genome position (GRCh38, 1-based): chr16:68,822,049, A>G. VCF-style: chr16-68822049-A-G. GRCh37 (hg19) VCF-style: chr16-68855952-A-G.
Other names: c.1577A>G, p.Asp526Gly (NM_001317184.2); c.212A>G, p.Asp71Gly (NM_001317185.2); c.-206A>G (NM_001317186.2); short protein forms D526G, D587G, D71G.
Identifiers: ClinVar variation 820036 (VCV000820036.4), dbSNP rs1458799670, ClinGen allele CA396466497.

ClinVar aggregate classification (germline): Uncertain significance (1 of 4 stars; one submission).

Conditions:
Hereditary cancer-predisposing syndrome. Also called: Neoplastic Syndromes, Hereditary; Tumor predisposition; Hereditary Cancer Syndrome; Hereditary neoplastic syndrome. Identifiers: Orphanet 140162, MedGen C0027672, MeSH D009386, MONDO:0015356.

Submission:

Ambry Genetics
Classification: Uncertain significance for Hereditary cancer-predisposing syndrome. Last evaluated: 2019-07-05. Review status: criteria provided, single submitter. Criteria: Ambry Variant Classification Scheme 2023. Collection method: clinical testing. Allele origin: germline.
Comment: The p.D587G variant (also known as c.1760A>G), located in coding exon 12 of the CDH1 gene, results from an A to G substitution at nucleotide position 1760. The aspartic acid at codon 587 is replaced by glycine, an amino acid with similar properties. This amino acid position is highly conserved in available vertebrate species. In addition, this alteration is predicted to be deleterious by in silico analysis. Since supporting evidence is limited at this time, the clinical significance of this alteration remains unclear.